The following is an entry in ClinVar:

ClinVar aggregate classification (germline): Uncertain significance (1 of 4 stars; one submission).

Allele frequency attached by ClinVar (database versions not stated): gnomAD exomes below 0.00001; gnomAD 0.00001.
gnomAD v4.1: 2 of 1,613,668 alleles (0.00012%); highest among the groups gnomAD compares: South Asian, 0.0022%; no homozygotes.

Submission:

Labcorp Genetics (formerly Invitae), Labcorp
Classification: Uncertain significance. Last evaluated: 2022-05-18. Review status: criteria provided, single submitter. Criteria: Invitae Variant Classification Sherloc (09022015). Collection method: clinical testing. Allele origin: germline.
Comment: This sequence change replaces serine, which is neutral and polar, with arginine, which is basic and polar, at codon 323 of the TYR protein (p.Ser323Arg). In summary, the available evidence is currently insufficient to determine the role of this variant in disease. Therefore, it has been classified as a Variant of Uncertain Significance. Algorithms developed to predict the effect of missense changes on protein structure and function are either unavailable or do not agree on the potential impact of this missense change (SIFT: "Deleterious"; PolyPhen-2: "Benign"; Align-GVGD: "Class C15"). This missense change has been observed in individual(s) with oculocutaneous albinism (PMID: 24641678). This variant is not present in population databases (gnomAD no frequency).

Literature cited by the submitters: PubMed 24641678.

NM_000372.5(TYR):c.967A>C (p.Ser323Arg)

Gene: TYR (tyrosinase; plus strand). Cytogenetic location: 11q14.3.
Variant type: single nucleotide variant.
Coding change: c.967A>C on transcript NM_000372.5 (MANE Select); coding-DNA position 967, A replaced by C.
Protein change: p.Ser323Arg; replaces serine 323 with arginine.
Molecular consequence: missense variant.
Genome position (GRCh38, 1-based): chr11:89,191,349, A>C. VCF-style: chr11-89191349-A-C. GRCh37 (hg19) VCF-style: chr11-88924517-A-C.
Other names: short protein forms S323R.
Identifiers: ClinVar variation 1995898 (VCV001995898.4), dbSNP rs1943442931, ClinGen allele CA382035969.
Genomic context (GRCh38, chr11:89,191,349, plus strand): 5'-AACCATGACAAATCCAGAACCCCAAGGCTCCCCTCTTCAGCTGATGTAGAATTTTGCCTG[A>C]GTTTGACCCAATATGAATCTGGTTCCATGGATAAAGCTGCCAATTTCAGCTTTAGAAATA-3'
Protein context (NP_000363.1, residues 313-333): PSSADVEFCL[Ser323Arg]LTQYESGSMD